The following is an entry in ClinVar:

ClinVar aggregate classification (germline): Uncertain significance. Review status: criteria provided, multiple submitters, no conflicts (2 of 4 stars). 2 submissions from 2 submitters: Uncertain significance (2). Last evaluated 2025-01-17.

Conditions:
Inborn genetic diseases. Identifiers: MedGen C0950123, MeSH D030342.
Severe myoclonic epilepsy in infancy (DRVT). Also called: Dravet syndrome; SEVERE MYOCLONIC EPILEPSY OF INFANCY; Epileptic encephalopathy, early infantile, 6 (Dravet syndrome); DEVELOPMENTAL AND EPILEPTIC ENCEPHALOPATHY 6A; Severe Myoclonic Epilepsy in Infancy (SMEI). Identifiers: Orphanet 33069, MedGen C0751122, MONDO:0100135, OMIM 607208.

Allele frequency attached by ClinVar (database versions not stated): gnomAD 0.00003 and 0.00004; gnomAD exomes 0.00003; ExAC 0.00005; TOPMed 0.00006.
gnomAD v4.1: 20 of 1,614,030 alleles (0.0012%); highest among the groups gnomAD compares: African/African-American, 0.0027%; no homozygotes.

Submissions (2):

Ambry Genetics
Classification: Uncertain significance for Inborn genetic diseases. Last evaluated: 2025-01-17. Review status: criteria provided, single submitter. Criteria: Ambry Variant Classification Scheme 2023. Collection method: clinical testing. Allele origin: germline.

Labcorp Genetics (formerly Invitae), Labcorp
Classification: Uncertain significance for Severe myoclonic epilepsy in infancy. Last evaluated: 2019-09-20. Review status: criteria provided, single submitter. Criteria: Invitae Variant Classification Sherloc (09022015). Collection method: clinical testing. Allele origin: germline.
Comment: This variant has not been reported in the literature in individuals with SNX27-related conditions. This variant is present in population databases (rs751866300, ExAC 0.02%). This sequence change replaces arginine with lysine at codon 524 of the SNX27 protein (p.Arg524Lys). The arginine residue is moderately conserved and there is a small physicochemical difference between arginine and lysine. Algorithms developed to predict the effect of missense changes on protein structure and function are either unavailable or do not agree on the potential impact of this missense change (SIFT: "Tolerated"; PolyPhen-2: "Probably Damaging"; Align-GVGD: "Class C0"). In summary, the available evidence is currently insufficient to determine the role of this variant in disease. Therefore, it has been classified as a Variant of Uncertain Significance.

NM_001330723.2(SNX27):c.1571G>A (p.Arg524Lys)

Gene: SNX27 (sorting nexin 27; plus strand). Cytogenetic location: 1q21.3.
Variant type: single nucleotide variant.
Coding change: c.1571G>A on transcript NM_001330723.2 (MANE Select); coding-DNA position 1571, G replaced by A.
Protein change: p.Arg524Lys; replaces arginine 524 with lysine.
Molecular consequence: missense variant.
Genome position (GRCh38, 1-based): chr1:151,693,476, G>A. VCF-style: chr1-151693476-G-A. GRCh37 (hg19) VCF-style: chr1-151665952-G-A.
Other names: c.1571G>A, p.Arg524Lys (NM_030918.6); short protein forms R524K.
Identifiers: ClinVar variation 937104 (VCV000937104.9), dbSNP rs751866300, ClinGen allele CA1093718.
Genomic context (GRCh38, chr1:151,693,476, plus strand): 5'-TTTTTCAGTTCAATTACATGCATGAGTGCTTCGAGAGGGTGTTCTGCGAGCTCAAGTGGA[G>A]AAAAGAGGTAATTCTGAACAGTCCTTGAATTGACCTTTTCATCTTTTTGTTTCTTTAAAA-3'
Protein context (NP_001317652.1, residues 514-534): FERVFCELKW[Arg524Lys]KENIFQMARS